The following is an entry in ClinVar:

NM_054012.4(ASS1):c.1042A>T (p.Lys348Ter)

Gene: ASS1 (argininosuccinate synthase 1; plus strand). Cytogenetic location: 9q34.11.
Variant type: single nucleotide variant.
Coding change: c.1042A>T on transcript NM_054012.4 (MANE Select); coding-DNA position 1042, A replaced by T.
Protein change: p.Lys348Ter; replaces lysine 348 with a stop codon.
Molecular consequence: nonsense.
Genome position (GRCh38, 1-based): chr9:130,494,938, A>T. VCF-style: chr9-130494938-A-T. GRCh37 (hg19) VCF-style: chr9-133370325-A-T.
Other names: c.1042A>T, p.Lys348Ter (NM_000050.4); short protein forms K348*.
Identifiers: ClinVar variation 1725818 (VCV001725818.2), dbSNP rs1428619789, ClinGen allele CA375231932.
Genomic context (GRCh38, chr9:130,494,938, plus strand): 5'-AGCCCTGAGTGTGAATTTGTCCGCCACTGCATCGCCAAGTCCCAGGAGCGAGTGGAAGGG[A>T]AAGTGCAGGTGTCCGTCCTCAAGGGCCAGGTGTACATCCTCGGCCGGGAGTCCCCACTGT-3'

ClinVar aggregate classification (germline): Likely pathogenic (1 of 4 stars; one submission).

Conditions:
Citrullinemia type I (CTNL1). Also called: ASS DEFICIENCY; argininosuccinate synthetase deficiency. Identifiers: Orphanet 247525, MedGen C4721769, MONDO:0008988, OMIM 215700.

Submission:

Myriad Genetics, Inc.
Classification: Likely pathogenic for Citrullinemia type I. Last evaluated: 2022-04-01. Review status: criteria provided, single submitter. Criteria: Myriad Women's Health Autosomal Recessive and X-Linked Classification Criteria (2021). Collection method: clinical testing. Allele origin: unknown.
Comment: NM_000050.4(ASS1):c.1042A>T(K348*) is expected to be pathogenic in the context of citrullinemia type 1. This variant is predicted to lead to an abnormal or absent protein product due to the creation of a premature termination codon in ASS1, a gene where loss-of-function variants are known to be pathogenic. Please note: this variant was assessed in the context of healthy population screening.